The following is an entry in ClinVar:

ClinVar aggregate classification (germline): Uncertain significance (1 of 4 stars; one submission).

Submission:

Labcorp Genetics (formerly Invitae), Labcorp
Classification: Uncertain significance. Last evaluated: 2023-07-17. Review status: criteria provided, single submitter. Criteria: Invitae Variant Classification Sherloc (09022015). Collection method: clinical testing. Allele origin: germline.
Comment: In summary, the available evidence is currently insufficient to determine the role of this variant in disease. Therefore, it has been classified as a Variant of Uncertain Significance. Experimental studies and prediction algorithms are not available or were not evaluated, and the functional significance of this variant is currently unknown. ClinVar contains an entry for this variant (Variation ID: 2003318). This variant has not been reported in the literature in individuals affected with RIN2-related conditions. This variant is not present in population databases (gnomAD no frequency). This sequence change replaces threonine, which is neutral and polar, with serine, which is neutral and polar, at codon 777 of the RIN2 protein (p.Thr777Ser).

NM_018993.4(RIN2):c.2330C>G (p.Thr777Ser)

Gene: RIN2 (Ras and Rab interactor 2; plus strand). Cytogenetic location: 20p11.23.
Variant type: single nucleotide variant.
Coding change: c.2330C>G on transcript NM_018993.4 (MANE Select); coding-DNA position 2330, C replaced by G.
Protein change: p.Thr777Ser; replaces threonine 777 with serine.
Molecular consequence: missense variant.
Genome position (GRCh38, 1-based): chr20:19,996,808, C>G. VCF-style: chr20-19996808-C-G. GRCh37 (hg19) VCF-style: chr20-19977452-C-G.
Other names: c.2477C>G, p.Thr826Ser (NM_001242581.2); c.1712C>G, p.Thr571Ser (NM_001378238.1); short protein forms T826S, T571S, T777S.
Identifiers: ClinVar variation 2003318 (VCV002003318.4), dbSNP rs2515636972, ClinGen allele CA408367092.
Genomic context (GRCh38, chr20:19,996,808, plus strand): 5'-CGCGACTGCTCAGCTCAGAAACCAGAGACACCCTGAGGCAGTGGCACAAACGGAGAACCA[C>G]CAACCGGACCATCCCCTCTGTGGACGACTTCCAGGTGTGCAGCTGGCCACCCCTTTGCTT-3'
Protein context (NP_061866.1, residues 767-787): TLRQWHKRRT[Thr777Ser]NRTIPSVDDF